The following is an entry in ClinVar:

NM_182894.3(VSX2):c.*1585A>C

Gene: VSX2 (visual system homeobox 2; plus strand). Cytogenetic location: 14q24.3.
Variant type: single nucleotide variant.
Coding change: c.*1585A>C on transcript NM_182894.3 (MANE Select); 1585 bases downstream of the stop codon, A replaced by C.
Molecular consequence: 3 prime UTR variant.
Genome position (GRCh38, 1-based): chr14:74,262,504, A>C. VCF-style: chr14-74262504-A-C. GRCh37 (hg19) VCF-style: chr14-74729207-A-C.
Identifiers: ClinVar variation 314230 (VCV000314230.5), dbSNP rs6574170, ClinGen allele CA10646026.

ClinVar aggregate classification (germline): Likely benign. Review status: criteria provided, single submitter (1 of 4 stars). 2 submissions from 1 submitter: Likely benign (2). Last evaluated 2018-01-13.

Conditions:
Isolated microphthalmia 2. Identifiers: Orphanet 2542, MedGen C1864720, MONDO:0012409, OMIM 610093.
Microphthalmia, isolated, with coloboma 3 (MCOPCB3). Also called: MICROPHTHALMIA/COLOBOMA 3; MICROPHTHALMIA, COLOBOMATOUS, 3. Identifiers: Orphanet 98938, MedGen C1864721, MONDO:0012408, OMIM 610092.

Allele frequency attached by ClinVar (database versions not stated): 1000 Genomes Project 0.01378; 1000 Genomes Project 30x 0.01546; TOPMed 0.01367.

Submissions (2):

Illumina Laboratory Services, Illumina
Classification: Likely benign for Isolated microphthalmia 2. Last evaluated: 2018-01-13. Review status: criteria provided, single submitter. Criteria: ICSL Variant Classification Criteria 13 December 2019. Collection method: clinical testing. Allele origin: germline.
Comment: This variant was observed in the ICSL laboratory as part of a predisposition screen in an ostensibly healthy population. It had not been previously curated by ICSL or reported in the Human Gene Mutation Database (HGMD: prior to June 1st, 2018), and was therefore a candidate for classification through an automated scoring system. Utilizing variant allele frequency, disease prevalence and penetrance estimates, and inheritance mode, an automated score was calculated to assess if this variant is too frequent to cause the disease. Based on the score and internal cut-off values, a variant classified as likely benign is not then subjected to further curation. The score for this variant resulted in a classification of likely benign for this disease.

Illumina Laboratory Services, Illumina
Classification: Likely benign for Microphthalmia, isolated, with coloboma 3. Last evaluated: 2018-01-13. Review status: criteria provided, single submitter. Criteria: ICSL Variant Classification Criteria 13 December 2019. Collection method: clinical testing. Allele origin: germline.
Comment: the same text as in the submission from Illumina Laboratory Services, Illumina above.